The following is an entry in ClinVar:

NM_002458.3(MUC5B):c.6450C>G (p.Ser2150=)

Genes: MUC5B (mucin 5B, oligomeric mucus/gel-forming; plus strand), MUC5B-AS1 (MUC5B antisense RNA 1; minus strand). Cytogenetic location: 11p15.5.
Variant type: single nucleotide variant.
Coding change: c.6450C>G on transcript NM_002458.3 (MANE Select); coding-DNA position 6450, C replaced by G.
Protein change: p.Ser2150=; no amino-acid change (serine 2150 retained).
Molecular consequence: synonymous variant.
Genome position (GRCh38, 1-based): chr11:1,243,330, C>G. VCF-style: chr11-1243330-C-G. GRCh37 (hg19) VCF-style: chr11-1264560-C-G.
Identifiers: ClinVar variation 2641218 (VCV002641218.24), dbSNP rs568517586, ClinGen allele CA5806013.
Genomic context (GRCh38, chr11:1,243,330, plus strand): 5'-CCCATCACTGACCACCACGGCCACTACGATCACGGCCACCGGCTCCACCACCAACCCCTC[C>G]TCAACTCCTGGGACAACTCCCATCCCCCCAGTGCTGACCACCACCGCCACCACACCTGCA-3'
Protein context (NP_002449.2, residues 2140-2160): ITATGSTTNP[Ser2150=]STPGTTPIPP

ClinVar aggregate classification (germline): Likely benign (1 of 4 stars; one submission).

Allele frequency attached by ClinVar (database versions not stated): 1000 Genomes Project 30x 0.00016; gnomAD 0.00016; ExAC 0.00017; 1000 Genomes Project 0.00020.
gnomAD v4.1: 123 of 1,557,796 alleles (0.0079%); highest among the groups gnomAD compares: Non-Finnish European, 0.0017%; 1 homozygote.

Submission:

CeGaT Center for Human Genetics Tuebingen
Classification: Likely benign. Last evaluated: 2022-05-01. Review status: criteria provided, single submitter. Criteria: CeGaT Center For Human Genetics Tuebingen Variant Classification Criteria Version 2. Collection method: clinical testing. Allele origin: germline. Affected: yes. Observed: 1 variant allele.
Comment: MUC5B: BP4, BP7